The following is an entry in ClinVar:

ClinVar aggregate classification (germline): Uncertain significance. Review status: criteria provided, multiple submitters, no conflicts (2 of 4 stars). 5 submissions from 5 submitters: Uncertain significance (5). Last evaluated 2024-10-28.

Conditions:
Usher syndrome type 2D. Also called: USHER SYNDROME, TYPE IID. Identifiers: Orphanet 231178, Orphanet 886, MedGen C1568249, MONDO:0012662, OMIM 611383.
Autosomal recessive nonsyndromic hearing loss 31. Also called: WHIRLER, MOUSE, HOMOLOG OF. Identifiers: Orphanet 90636, MedGen C1846839, MONDO:0011767, OMIM 607084.

Allele frequency attached by ClinVar (database versions not stated): ExAC below 0.00001; gnomAD exomes 0.00002 and 0.00003.
gnomAD v4.1: 33 of 1,499,686 alleles (0.0022%); highest among the groups gnomAD compares: Admixed American, 0.0045%; no homozygotes.

Submissions (5):

Blueprint Genetics
Classification: Uncertain significance. Last evaluated: 2024-10-28. Review status: criteria provided, single submitter. Criteria: ACMG Guidelines, 2015. Collection method: clinical testing. Allele origin: germline.

Labcorp Genetics (formerly Invitae), Labcorp
Classification: Uncertain significance. Last evaluated: 2024-04-25. Review status: criteria provided, single submitter. Criteria: Invitae Variant Classification Sherloc (09022015). Collection method: clinical testing. Allele origin: germline.
Comment: This sequence change replaces serine, which is neutral and polar, with leucine, which is neutral and non-polar, at codon 12 of the WHRN protein (p.Ser12Leu). This variant is present in population databases (rs760261757, gnomAD 0.006%). This variant has not been reported in the literature in individuals affected with WHRN-related conditions. ClinVar contains an entry for this variant (Variation ID: 228564). An algorithm developed to predict the effect of missense changes on protein structure and function (PolyPhen-2) suggests that this variant is likely to be disruptive. In summary, the available evidence is currently insufficient to determine the role of this variant in disease. Therefore, it has been classified as a Variant of Uncertain Significance.

Fulgent Genetics
Classification: Uncertain significance for Autosomal recessive nonsyndromic hearing loss 31; Usher syndrome type 2D. Last evaluated: 2022-02-16. Review status: criteria provided, single submitter. Criteria: ACMG Guidelines, 2015. Collection method: clinical testing. Allele origin: unknown.

GeneDx
Classification: Uncertain significance. Last evaluated: 2016-09-06. Review status: criteria provided, single submitter. Criteria: GeneDx Variant Classification (06012015). Collection method: clinical testing. Allele origin: germline. Affected: yes.
Comment: The S12L variant in the DFNB31 gene has not been reported previously as a pathogenic variant, nor as a benign variant, to our knowledge. Sufficient data from control individuals in the NHLBI Exome Sequencing Project data set were not available to assess whether the S12L variant may be a common benign variant in the general population. The S12L variant is a non-conservative amino acid substitution, which is likely to impact secondary protein structure as these residues differ in polarity, charge, size and/or other properties. This substitution occurs at a position that is conserved in mammals. In silico analysis is inconsistent in its predictions as to whether or not the variant is damaging to the protein structure/function. Therefore, we interpret S12L as a variant of uncertain significance.

Laboratory for Molecular Medicine, Mass General Brigham Personalized Medicine
Classification: Uncertain significance. Last evaluated: 2015-07-06. Review status: criteria provided, single submitter. Criteria: LMM Criteria. Collection method: clinical testing. Allele origin: germline. Observed: 1 variant allele.
Comment: The p.Ser12Leu variant in DFNB31 has not been previously reported in individuals with hearing loss or Usher syndrome. Data from large population studies is insu fficient to assess the frequency of this variant. Computational prediction tools and conservation analysis do not provide strong support for or against an impac t to the protein. In summary, the clinical significance of the p.Ser12Leu varian t is uncertain.

NM_015404.4(WHRN):c.35C>T (p.Ser12Leu)

Gene: WHRN (whirlin; minus strand). Cytogenetic location: 9q32.
Variant type: single nucleotide variant.
Coding change: c.35C>T on transcript NM_015404.4 (MANE Select); coding-DNA position 35, C replaced by T.
Protein change: p.Ser12Leu; replaces serine 12 with leucine.
Molecular consequence: missense variant.
Genome position (GRCh38, 1-based): chr9:114,504,767, G>A on the plus strand (C>T on the coding strand, the complement: WHRN is on the minus strand). VCF-style: chr9-114504767-G-A. GRCh37 (hg19) VCF-style: chr9-117267047-G-A.
Other names: c.35C>T, p.Ser12Leu (NM_001173425.2); short protein forms S12L.
Identifiers: ClinVar variation 228564 (VCV000228564.14), dbSNP rs760261757, ClinGen allele CA5206370.
Genomic context (GRCh38, chr9:114,504,767, plus strand): 5'-AGCCCCGCGCCCCCGCCGCCGCCCGCCCCGGCCGCCGAGCCCAGCGAGCCGGTGGAGGAC[G>A]AGCTCACCGACAGGCCGTCCAGCGGCGCGTTCATCTCCACGCCGAGGCCCGGCCGGGCTC-3'
Protein context (NP_056219.3, residues 2-22): NAPLDGLSVS[Ser12Leu]SSTGSLGSAA